The following is an entry in ClinVar:

ClinVar aggregate classification (germline): Uncertain significance (1 of 4 stars; one submission).

gnomAD v4.1: 1 of 1,613,132 alleles (0.000062%); highest among the groups gnomAD compares: South Asian, 0.0011%; no homozygotes.

Submission:

CeGaT Center for Human Genetics Tuebingen
Classification: Uncertain significance. Last evaluated: 2026-09-01. Review status: criteria provided, single submitter. Criteria: CeGaT Center For Human Genetics Tuebingen Variant Classification Criteria Version 2. Collection method: clinical testing. Allele origin: germline. Affected: yes. Observed: 1 variant allele.
Comment: ASH1L: PM2

NM_018489.3(ASH1L):c.6724C>G (p.Leu2242Val)

Gene: ASH1L (ASH1 like histone lysine methyltransferase; minus strand). Cytogenetic location: 1q22.
Variant type: single nucleotide variant.
Coding change: c.6724C>G on transcript NM_018489.3 (MANE Select); coding-DNA position 6724, C replaced by G.
Protein change: p.Leu2242Val; replaces leucine 2242 with valine.
Molecular consequence: missense variant.
Genome position (GRCh38, 1-based): chr1:155,360,372, G>C on the plus strand (C>G on the coding strand, the complement: ASH1L is on the minus strand). VCF-style: chr1-155360372-G-C. GRCh37 (hg19) VCF-style: chr1-155330163-G-C.
Other names: c.6739C>G, p.Leu2247Val (NM_001366177.2); short protein forms L2242V, L2247V.
Identifiers: ClinVar variation 5041806 (VCV005041806.1).